The following is an entry in ClinVar:

NM_000069.3(CACNA1S):c.404T>C (p.Phe135Ser)

Gene: CACNA1S (calcium voltage-gated channel subunit alpha1 S; minus strand). Cytogenetic location: 1q32.1.
Variant type: single nucleotide variant.
Coding change: c.404T>C on transcript NM_000069.3 (MANE Select); coding-DNA position 404, T replaced by C.
Protein change: p.Phe135Ser; replaces phenylalanine 135 with serine.
Molecular consequence: missense variant.
Genome position (GRCh38, 1-based): chr1:201,092,109, A>G on the plus strand (T>C on the coding strand, the complement: CACNA1S is on the minus strand). VCF-style: chr1-201092109-A-G. GRCh37 (hg19) VCF-style: chr1-201061237-A-G.
Other names: short protein forms F135S.
Identifiers: ClinVar variation 473993 (VCV000473993.9), dbSNP rs1553252778, ClinGen allele CA344142786.

ClinVar aggregate classification (germline): Uncertain significance (1 of 4 stars; one submission).

Conditions:
Malignant hyperthermia, susceptibility to, 5 (MHS5). Also called: CACNA1S-Related Malignant Hyperthermia Susceptibility. Identifiers: Orphanet 423, MedGen C1866077, MONDO:0011163, OMIM 601887.
Hypokalemic periodic paralysis, type 1. Also called: HypoPP; Hypokalemic Periodic Paralysis Type 1 (AD). Identifiers: Orphanet 681, MedGen C3714580, MONDO:0042979, OMIM 170400.

Submission:

Labcorp Genetics (formerly Invitae), Labcorp
Classification: Uncertain significance for Hypokalemic periodic paralysis, type 1; Malignant hyperthermia, susceptibility to, 5. Last evaluated: 2016-09-14. Review status: criteria provided, single submitter. Criteria: Invitae Variant Classification Sherloc (09022015). Collection method: clinical testing. Allele origin: germline.
Comment: In summary, this variant is a novel missense change that is not predicted to affect protein function. There is no indication that it causes disease, but the available evidence is currently insufficient to prove that conclusively. Therefore, it has been classified as a Variant of Uncertain Significance. Algorithms developed to predict the effect of missense changes on protein structure and function (SIFT, PolyPhen-2, Align-GVGD) all suggest that this variant is likely to be tolerated, but these predictions have not been confirmed by published functional studies. This variant is not present in population databases (ExAC no frequency) and has not been reported in the literature in individuals with a CACNA1S-related disease. This sequence change replaces phenylalanine with serine at codon 135 of the CACNA1S protein (p.Phe135Ser). The phenylalanine residue is moderately conserved and there is a large physicochemical difference between phenylalanine and serine.